The following is an entry in ClinVar:

NM_001252024.2(TRPM1):c.1437+26G>A

Gene: TRPM1 (transient receptor potential cation channel subfamily M member 1; minus strand). Cytogenetic location: 15q13.3.
Variant type: single nucleotide variant.
Coding change: c.1437+26G>A on transcript NM_001252024.2 (MANE Select); 26 bases into the intron after coding-DNA position 1437, G replaced by A.
Molecular consequence: intron variant.
Genome position (GRCh38, 1-based): chr15:31,050,383, C>T on the plus strand (G>A on the coding strand, the complement: TRPM1 is on the minus strand). VCF-style: chr15-31050383-C-T. GRCh37 (hg19) VCF-style: chr15-31342586-C-T.
Other names: c.1488+26G>A (NM_001252020.2); c.1371+26G>A (NM_002420.6).
Identifiers: ClinVar variation 4813919 (VCV004813919.1).
Genomic context (GRCh38, chr15:31,050,383, plus strand): 5'-GGTGGGACTGAAGCAAGGACAAGAACCATCCCTTCCCCTGGGGAAGGGTGATGCCAAGCT[C>T]GTGATCTCTGTGACCTTCCACATACCCAGTTCAGCAGCTCTATCTTCCGGGGGTCAGTTT-3'

ClinVar aggregate classification (germline): Likely benign (1 of 4 stars; one submission).

gnomAD v4.1: 13,222 of 1,614,150 alleles (0.82%); highest among the groups gnomAD compares: Non-Finnish European, 1%; 77 homozygotes.

Submission:

GeneDx
Classification: Likely benign. Last evaluated: 2020-07-16. Review status: criteria provided, single submitter. Criteria: GeneDx Variant Classification Process June 2021. Collection method: clinical testing. Allele origin: germline. Affected: yes.
Comment: See Variant Classification Assertion Criteria.